The following is an entry in ClinVar:

ClinVar aggregate classification (germline): Conflicting classifications of pathogenicity. Review status: criteria provided, conflicting classifications (1 of 4 stars). 3 submissions from 3 submitters: Uncertain significance (2); Likely benign (1). Last evaluated 2026-03-27.

Conditions:
Autoinflammatory syndrome. Identifiers: Orphanet 93665, MedGen C3890737, MONDO:0019751.
Pityriasis rubra pilaris (PRP). Also called: Pityriasis rubra pilaris--familial type. Identifiers: Orphanet 2897, MedGen C0032027, MONDO:0100017, OMIM 173200, MONDO:0008251.
Psoriasis 2. Identifiers: MedGen C1864497, MONDO:0011269, OMIM 602723.

Allele frequency attached by ClinVar (database versions not stated): ExAC 0.00009; gnomAD exomes 0.00009; TOPMed 0.00010; gnomAD 0.00013; 1000 Genomes Project 30x 0.00016; 1000 Genomes Project 0.00020.
gnomAD v4.1: 297 of 1,609,874 alleles (0.018%); highest among the groups gnomAD compares: Non-Finnish European, 0.024%; no homozygotes.

Submissions (3):

Women's Health and Genetics/Laboratory Corporation of America, LabCorp
Classification: Likely benign. Last evaluated: 2026-03-27. Review status: criteria provided, single submitter. Criteria: LabCorp Variant Classification Summary - May 2015. Collection method: clinical testing. Allele origin: germline.
Comment: Variant summary: CARD14 c.683T>G (p.Leu228Arg) results in a non-conservative amino acid change in the encoded protein sequence. Algorithms developed to predict the effect of missense changes on protein structure and function are either unavailable or do not agree on the potential impact of this missense change. The variant allele was found at a frequency of 9.3e-05 in 246244 control chromosomes, predominantly at a frequency of 0.0002 within the Non-Finnish European subpopulation in the gnomAD database. The observed variant frequency within Non-Finnish European control individuals in the gnomAD database exceeds the estimated maximal expected allele frequency for disease-causing variants in CARD14. c.683T>G has been observed in the presumed heterozygous state in at least 1 individual(s) affected with Pityriasis rubra pilaris (example, Li_2015), without strong evidence for causality. These report(s) do not provide unequivocal conclusions about association of the variant with Pityriasis rubra pilaris. At least one publication reports experimental evidence evaluating an impact on protein function, however, does not allow convincing conclusions about the variant effect (example, Li_2015). The following publication has been ascertained in the context of this evaluation (PMID: 25734815). ClinVar contains an entry for this variant (Variation ID: 839822). Based on the evidence outlined above, the variant was classified as likely benign.

Labcorp Genetics (formerly Invitae), Labcorp
Classification: Uncertain significance for Pityriasis rubra pilaris; Psoriasis 2. Last evaluated: 2026-02-04. Review status: criteria provided, single submitter. Criteria: Invitae Variant Classification Sherloc (09022015). Collection method: clinical testing. Allele origin: germline.
Comment: This sequence change replaces leucine, which is neutral and non-polar, with arginine, which is basic and polar, at codon 228 of the CARD14 protein (p.Leu228Arg). This variant is present in population databases (rs142246283, gnomAD 0.02%). This missense change has been observed in individual(s) with pityriasis rubra pilaris (PMID: 25734815). ClinVar contains an entry for this variant (Variation ID: 839822). Invitae Evidence Modeling of protein sequence and biophysical properties (such as structural, functional, and spatial information, amino acid conservation, physicochemical variation, residue mobility, and thermodynamic stability) has been performed for this missense variant. However, the output from this modeling did not meet the statistical confidence thresholds required to predict the impact of this variant on CARD14 protein function. Experimental studies have shown that this missense change affects CARD14 function (PMID: 25734815). In summary, the available evidence is currently insufficient to determine the role of this variant in disease. Therefore, it has been classified as a Variant of Uncertain Significance.

Genome Diagnostics Laboratory, The Hospital for Sick Children
Classification: Uncertain significance for Autoinflammatory syndrome. Last evaluated: 2016-12-12. Review status: criteria provided, single submitter. Criteria: ACMG Guidelines, 2015. Collection method: clinical testing. Allele origin: germline. Affected: yes.

Literature cited by the submitters: PubMed 25734815 (cited by Women's Health and Genetics/Laboratory Corporation of America, LabCorp and Labcorp Genetics (formerly Invitae), Labcorp).

NM_001366385.1(CARD14):c.683T>G (p.Leu228Arg)

Gene: CARD14 (caspase recruitment domain family member 14; plus strand). Cytogenetic location: 17q25.3.
Variant type: single nucleotide variant.
Coding change: c.683T>G on transcript NM_001366385.1 (MANE Select); coding-DNA position 683, T replaced by G.
Protein change: p.Leu228Arg; replaces leucine 228 with arginine.
Molecular consequence: missense variant. On other transcripts: 5 prime UTR variant (1), non-coding transcript variant (1).
Genome position (GRCh38, 1-based): chr17:80,188,384, T>G. VCF-style: chr17-80188384-T-G. GRCh37 (hg19) VCF-style: chr17-78162183-T-G.
Other names: c.683T>G, p.Leu228Arg (NM_001257970.1, NM_024110.4); c.-29T>G (NM_052819.3); short protein forms L228R.
Identifiers: ClinVar variation 839822 (VCV000839822.12), dbSNP rs142246283, ClinGen allele CA8816498.